The following is an entry in ClinVar:

ClinVar aggregate classification (germline): Uncertain significance (1 of 4 stars; one submission).

Conditions:
Hereditary spastic paraplegia. Also called: Familial spastic paraparesis. Identifiers: Orphanet 685, MedGen C0037773, MONDO:0019064. Disease mechanism: loss of function.

Submission:

Broad Center for Mendelian Genomics, Broad Institute of MIT and Harvard
Classification: Uncertain significance for Hereditary spastic paraplegia. Last evaluated: 2025-06-30. Review status: criteria provided, single submitter. Criteria: ACMG Guidelines, 2015. Collection method: curation. Allele origin: germline. Inheritance: Autosomal dominant inheritance. Study: GREGoR Consortium.
Comment: While this gene is still lacking sufficient evidence to establish a gene-disease relationship, we believe this is a possible novel gene candidate for spastic paraplegia. Given the limited information about this gene-disease relationship, the significance of the p.Gly650Arg variant is uncertain. If you have any additional information about functional evidence or other individuals with this phenotype that also have variants in COL5A3 we encourage you to reach out to us.

NM_015719.4(COL5A3):c.1948G>A (p.Gly650Arg)

Gene: COL5A3 (collagen type V alpha 3 chain; minus strand). Cytogenetic location: 19p13.2.
Variant type: single nucleotide variant.
Coding change: c.1948G>A on transcript NM_015719.4 (MANE Select); coding-DNA position 1948, G replaced by A.
Protein change: p.Gly650Arg; replaces glycine 650 with arginine.
Molecular consequence: missense variant.
Genome position (GRCh38, 1-based): chr19:9,991,654, C>T on the plus strand (G>A on the coding strand, the complement: COL5A3 is on the minus strand). VCF-style: chr19-9991654-C-T. GRCh37 (hg19) VCF-style: chr19-10102330-C-T.
Other names: NM_015719.4:c.1948G>A; short protein forms G650R.
Identifiers: ClinVar variation 4070923 (VCV004070923.1).